The following is an entry in ClinVar:

NM_002880.4(RAF1):c.803C>T (p.Thr268Ile)

Gene: RAF1 (Raf-1 proto-oncogene, serine/threonine kinase; minus strand). Cytogenetic location: 3p25.2.
Variant type: single nucleotide variant.
Coding change: c.803C>T on transcript NM_002880.4 (MANE Select); coding-DNA position 803, C replaced by T.
Protein change: p.Thr268Ile; replaces threonine 268 with isoleucine.
Molecular consequence: missense variant. On other transcripts: non-coding transcript variant (3).
Genome position (GRCh38, 1-based): chr3:12,604,167, G>A on the plus strand (C>T on the coding strand, the complement: RAF1 is on the minus strand). VCF-style: chr3-12604167-G-A. GRCh37 (hg19) VCF-style: chr3-12645666-G-A.
Other names: c.803C>T, p.Thr268Ile (NM_001354689.3, NM_001354690.3); c.560C>T, p.Thr187Ile (NM_001354691.3, NM_001354692.3, NM_001354694.3); c.704C>T, p.Thr235Ile (NM_001354693.3); c.461C>T, p.Thr154Ile (NM_001354695.3); short protein forms T187I, T154I, T235I, T268I.
Identifiers: ClinVar variation 4614800 (VCV004614800.1).

ClinVar aggregate classification (germline): Uncertain significance (1 of 4 stars; one submission).

Conditions:
Cardiovascular phenotype. Identifiers: MedGen CN230736.

gnomAD v4.1: 2 of 1,614,168 alleles (0.00012%); highest among the groups gnomAD compares: East Asian, 0.0022%; no homozygotes.

Submission:

Ambry Genetics
Classification: Uncertain significance for Cardiovascular phenotype. Last evaluated: 2025-11-02. Review status: criteria provided, single submitter. Criteria: Ambry Variant Classification Scheme 2023. Collection method: clinical testing. Allele origin: germline.
Comment: The p.T268I variant (also known as c.803C>T), located in coding exon 6 of the RAF1 gene, results from a C to T substitution at nucleotide position 803. The threonine at codon 268 is replaced by isoleucine, an amino acid with similar properties. This amino acid position is conserved. In addition, the in silico prediction for this alteration is inconclusive. Based on the available evidence, the clinical significance of this variant remains unclear.